The following is an entry in ClinVar:

NM_004329.3(BMPR1A):c.1409T>G (p.Met470Arg)

Gene: BMPR1A (bone morphogenetic protein receptor type 1A; plus strand). Cytogenetic location: 10q23.2.
Variant type: single nucleotide variant.
Coding change: c.1409T>G on transcript NM_004329.3 (MANE Select); coding-DNA position 1409, T replaced by G.
Protein change: p.Met470Arg; replaces methionine 470 with arginine.
Molecular consequence: missense variant.
Genome position (GRCh38, 1-based): chr10:86,923,442, T>G. VCF-style: chr10-86923442-T-G. GRCh37 (hg19) VCF-style: chr10-88683199-T-G.
Other names: c.1484T>G, p.Met495Arg (NM_001406559.1); c.1457T>G, p.Met486Arg (NM_001406560.1); c.1409T>G, p.Met470Arg (NM_001406561.1, NM_001406562.1, NM_001406563.1 and 19 more transcripts); c.1403T>G, p.Met468Arg (NM_001406583.1); c.1325T>G, p.Met442Arg (NM_001406584.1, NM_001406585.1, NM_001406586.1 and 2 more transcripts); c.1067T>G, p.Met356Arg (NM_001406589.1); short protein forms M356R, M442R, M468R, M470R, M486R, M495R.
Identifiers: ClinVar variation 1771973 (VCV001771973.2), dbSNP rs199476089, ClinGen allele CA377462970.

ClinVar aggregate classification (germline): Likely pathogenic (1 of 4 stars; one submission).

Conditions:
Hereditary cancer-predisposing syndrome. Also called: Hereditary Cancer Syndrome; Hereditary neoplastic syndrome; Neoplastic Syndromes, Hereditary; Tumor predisposition. Identifiers: Orphanet 140162, MedGen C0027672, MeSH D009386, MONDO:0015356.

Submission:

Ambry Genetics
Classification: Likely pathogenic for Hereditary cancer-predisposing syndrome. Last evaluated: 2021-08-18. Review status: criteria provided, single submitter. Criteria: Ambry Variant Classification Scheme 2023. Collection method: clinical testing. Allele origin: germline.
Comment: The p.M470R variant (also known as c.1409T>G), located in coding exon 10 of the BMPR1A gene, results from a T to G substitution at nucleotide position 1409. The methionine at codon 470 is replaced by arginine, an amino acid with similar properties. Another alteration at the same codon, p.M470T (c.1409T>C), has been detected in individuals with clinical features of JPS (Ambry internal data; Kim IJ et al. Clin. Genet. 2003 Feb; 63(2):126-30; Rohlin A et al. Fam Cancer, 2017 04;16:195-203). Based on an internal structural analysis, this variant is moderately destabilizing to the local structure of the BMPR1A protein (Ambry internal data). This variant is considered to be rare based on population cohorts in the Genome Aggregation Database (gnomAD). This amino acid position is highly conserved in available vertebrate species. In addition, this alteration is predicted to be deleterious by in silico analysis. Based on the majority of available evidence to date, this variant is likely to be pathogenic.